The following is an entry in ClinVar:

ClinVar aggregate classification (germline): Likely benign (1 of 4 stars; one submission).

Allele frequency attached by ClinVar (database versions not stated): gnomAD 0.00010; TOPMed 0.00014; ESP Exome Variant Server 0.00015.
gnomAD v4.1: 208 of 1,614,056 alleles (0.013%); highest among the groups gnomAD compares: Middle Eastern, 0.033%; no homozygotes.

Submission:

CeGaT Center for Human Genetics Tuebingen
Classification: Likely benign. Last evaluated: 2022-06-01. Review status: criteria provided, single submitter. Criteria: CeGaT Center For Human Genetics Tuebingen Variant Classification Criteria Version 2. Collection method: clinical testing. Allele origin: germline. Affected: yes. Observed: 1 variant allele.
Comment: GFOD2: BP4, BP7

NM_030819.4(GFOD2):c.414G>A (p.Ser138=)

Gene: GFOD2 (Gfo/Idh/MocA-like oxidoreductase domain containing 2; minus strand). Cytogenetic location: 16q22.1.
Variant type: single nucleotide variant.
Coding change: c.414G>A on transcript NM_030819.4 (MANE Select); coding-DNA position 414, G replaced by A.
Protein change: p.Ser138=; no amino-acid change (serine 138 retained).
Molecular consequence: synonymous variant. On other transcripts: non-coding transcript variant (1).
Genome position (GRCh38, 1-based): chr16:67,675,899, C>T on the plus strand (G>A on the coding strand, the complement: GFOD2 is on the minus strand). VCF-style: chr16-67675899-C-T. GRCh37 (hg19) VCF-style: chr16-67709802-C-T.
Identifiers: ClinVar variation 2646636 (VCV002646636.24), dbSNP rs149276567, ClinGen allele CA8116015.